The following is an entry in ClinVar:

NM_003000.3(SDHB):c.752G>A (p.Arg251Lys)

Gene: SDHB (succinate dehydrogenase complex iron sulfur subunit B; minus strand). Cytogenetic location: 1p36.13.
Variant type: single nucleotide variant.
Coding change: c.752G>A on transcript NM_003000.3 (MANE Select); coding-DNA position 752, G replaced by A.
Protein change: p.Arg251Lys; replaces arginine 251 with lysine.
Molecular consequence: missense variant.
Genome position (GRCh38, 1-based): chr1:17,022,621, C>T on the plus strand (G>A on the coding strand, the complement: SDHB is on the minus strand). VCF-style: chr1-17022621-C-T. GRCh37 (hg19) VCF-style: chr1-17349116-C-T.
Other names: short protein forms R251K.
Identifiers: ClinVar variation 1382661 (VCV001382661.9), dbSNP rs2077968005, ClinGen allele CA338270016.

ClinVar aggregate classification (germline): Uncertain significance. Review status: criteria provided, multiple submitters, no conflicts (2 of 4 stars). 2 submissions from 2 submitters: Uncertain significance (2). Last evaluated 2024-11-30.

Conditions:
Pheochromocytoma. Also called: MAX-Related Hereditary Paraganglioma-Pheochromocytoma Syndrome. Identifiers: Orphanet 29072, MedGen C0031511, MONDO:0008233, OMIM 171300, HP:0002666.
Pheochromocytoma/paraganglioma syndrome 4. Also called: CAROTID BODY TUMORS AND MULTIPLE EXTRAADRENAL PHEOCHROMOCYTOMAS; PARAGANGLIOMA, FAMILIAL MALIGNANT; PARAGANGLIOMAS, HEREDITARY EXTRAADRENAL; PHEOCHROMOCYTOMA, FAMILIAL EXTRAADRENAL; Paragangliomas 4; SDHB-Related Hereditary Paraganglioma-Pheochromocytoma Syndrome (Paragangliomas 4). Identifiers: Orphanet 29072, MedGen C1861848, MONDO:0007273, OMIM 115310.
Gastrointestinal stromal tumor. Also called: Gastrointestinal stroma tumor; Gastrointestinal stromal tumor, somatic. Identifiers: Orphanet 44890, MedGen C0238198, MeSH D046152, MONDO:0011719, OMIM 606764, HP:0100723.
Hereditary cancer-predisposing syndrome. Also called: Tumor predisposition; Hereditary Cancer Syndrome; Hereditary neoplastic syndrome; Neoplastic Syndromes, Hereditary. Identifiers: Orphanet 140162, MedGen C0027672, MeSH D009386, MONDO:0015356.

Allele frequency attached by ClinVar (database versions not stated): TOPMed 0.00001.

Submissions (2):

Labcorp Genetics (formerly Invitae), Labcorp
Classification: Uncertain significance for Gastrointestinal stromal tumor; Pheochromocytoma/paraganglioma syndrome 4; Pheochromocytoma. Last evaluated: 2024-11-30. Review status: criteria provided, single submitter. Criteria: Invitae Variant Classification Sherloc (09022015). Collection method: clinical testing. Allele origin: germline.
Comment: This sequence change replaces arginine, which is basic and polar, with lysine, which is basic and polar, at codon 251 of the SDHB protein (p.Arg251Lys). This variant is not present in population databases (gnomAD no frequency). This variant has not been reported in the literature in individuals affected with SDHB-related conditions. ClinVar contains an entry for this variant (Variation ID: 1382661). Invitae Evidence Modeling of protein sequence and biophysical properties (such as structural, functional, and spatial information, amino acid conservation, physicochemical variation, residue mobility, and thermodynamic stability) indicates that this missense variant is not expected to disrupt SDHB protein function with a negative predictive value of 80%. In summary, the available evidence is currently insufficient to determine the role of this variant in disease. Therefore, it has been classified as a Variant of Uncertain Significance.

Ambry Genetics
Classification: Uncertain significance for Hereditary cancer-predisposing syndrome. Last evaluated: 2024-08-21. Review status: criteria provided, single submitter. Criteria: Ambry Variant Classification Scheme 2023. Collection method: clinical testing. Allele origin: germline.
Comment: The p.R251K variant (also known as c.752G>A), located in coding exon 7 of the SDHB gene, results from a G to A substitution at nucleotide position 752. The arginine at codon 251 is replaced by lysine, an amino acid with highly similar properties. This amino acid position is not well conserved in available vertebrate species. In addition, this alteration is predicted to be tolerated by in silico analysis. Based on the available evidence, the clinical significance of this variant remains unclear.